The following is an entry in ClinVar:

NM_032776.3(JMJD1C):c.89G>A (p.Ser30Asn)

Genes: JMJD1C (jumonji domain containing 1C; minus strand), JMJD1C-AS1 (JMJD1C antisense RNA 1; plus strand). Cytogenetic location: 10q21.3.
Variant type: single nucleotide variant.
Coding change: c.89G>A on transcript NM_032776.3 (MANE Select); coding-DNA position 89, G replaced by A.
Protein change: p.Ser30Asn; replaces serine 30 with asparagine.
Molecular consequence: missense variant. On other transcripts: non-coding transcript variant (1), intron variant (2).
Genome position (GRCh38, 1-based): chr10:63,465,574, C>T on the plus strand (G>A on the coding strand, the complement: JMJD1C is on the minus strand). VCF-style: chr10-63465574-C-T. GRCh37 (hg19) VCF-style: chr10-65225334-C-T.
Other names: c.89G>A, p.Ser30Asn (NM_001322252.2); c.-384+56164G>A (NM_001322258.2); c.-379+56164G>A (NM_001318154.2); short protein forms S30N.
Identifiers: ClinVar variation 945622 (VCV000945622.10), dbSNP rs539218466, ClinGen allele CA5519220.

ClinVar aggregate classification (germline): Uncertain significance (1 of 4 stars; one submission).

Conditions:
Early Myoclonic Encephalopathy. Identifiers: MedGen C0270855.

Allele frequency attached by ClinVar (database versions not stated): 1000 Genomes Project 30x 0.00016; gnomAD exomes 0.00001 and 0.00004; ExAC 0.00006; gnomAD 0.00001; 1000 Genomes Project 0.00020.
gnomAD v4.1: 15 of 1,608,824 alleles (0.00093%); highest among the groups gnomAD compares: South Asian, 0.015%; no homozygotes.

Submission:

Labcorp Genetics (formerly Invitae), Labcorp
Classification: Uncertain significance for Early Myoclonic Encephalopathy. Last evaluated: 2022-08-23. Review status: criteria provided, single submitter. Criteria: Invitae Variant Classification Sherloc (09022015). Collection method: clinical testing. Allele origin: germline.
Comment: This variant has not been reported in the literature in individuals affected with JMJD1C-related conditions. In summary, the available evidence is currently insufficient to determine the role of this variant in disease. Therefore, it has been classified as a Variant of Uncertain Significance. Algorithms developed to predict the effect of missense changes on protein structure and function are either unavailable or do not agree on the potential impact of this missense change (SIFT: "Deleterious"; PolyPhen-2: "Benign"; Align-GVGD: "Class C0"). ClinVar contains an entry for this variant (Variation ID: 945622). This variant is present in population databases (rs539218466, gnomAD 0.03%). This sequence change replaces serine, which is neutral and polar, with asparagine, which is neutral and polar, at codon 30 of the JMJD1C protein (p.Ser30Asn).